The following is an entry in ClinVar:

NM_012199.5(AGO1):c.2428C>T (p.Arg810Trp)

Gene: AGO1 (argonaute RISC component 1; plus strand). Cytogenetic location: 1p34.3.
Variant type: single nucleotide variant.
Coding change: c.2428C>T on transcript NM_012199.5 (MANE Select); coding-DNA position 2428, C replaced by T.
Protein change: p.Arg810Trp; replaces arginine 810 with tryptophan.
Molecular consequence: missense variant.
Genome position (GRCh38, 1-based): chr1:35,919,217, C>T. VCF-style: chr1-35919217-C-T. GRCh37 (hg19) VCF-style: chr1-36384818-C-T.
Other names: c.2428C>T, p.Arg810Trp (NM_001317122.2); c.2203C>T, p.Arg735Trp (NM_001317123.2); short protein forms R735W, R810W.
Identifiers: ClinVar variation 3765605 (VCV003765605.1).

ClinVar aggregate classification (germline): Uncertain significance (1 of 4 stars; one submission).

gnomAD v4.1: 1 of 1,614,078 alleles (0.000062%); highest among the groups gnomAD compares: Non-Finnish European, 0.000085%; no homozygotes.

Submission:

Greenwood Genetic Center Diagnostic Laboratories, Greenwood Genetic Center
Classification: Uncertain significance. Last evaluated: 2024-08-23. Review status: criteria provided, single submitter. Criteria: ACMG Guidelines, 2015. Collection method: clinical testing. Allele origin: germline. Affected: yes.
Comment: PM2, PP2, PP3